The following is an entry in ClinVar:

NM_001134831.2(AHI1):c.884A>G (p.Asp295Gly)

Gene: AHI1 (Abelson helper integration site 1; minus strand). Cytogenetic location: 6q23.3.
Variant type: single nucleotide variant.
Coding change: c.884A>G on transcript NM_001134831.2 (MANE Select); coding-DNA position 884, A replaced by G.
Protein change: p.Asp295Gly; replaces aspartic acid 295 with glycine.
Molecular consequence: missense variant.
Genome position (GRCh38, 1-based): chr6:135,463,172, T>C on the plus strand (A>G on the coding strand, the complement: AHI1 is on the minus strand). VCF-style: chr6-135463172-T-C. GRCh37 (hg19) VCF-style: chr6-135784310-T-C.
Other names: c.884A>G, p.Asp295Gly (NM_001134830.2, NM_001134832.2, NM_001350503.2 and 2 more transcripts); short protein forms D295G.
Identifiers: ClinVar variation 1484171 (VCV001484171.8), dbSNP rs1368691324, ClinGen allele CA365749049.

ClinVar aggregate classification (germline): Uncertain significance (1 of 4 stars; one submission).

Conditions:
Joubert syndrome. Also called: CEREBELLOPARENCHYMAL DISORDER IV; JOUBERT-BOLTSHAUSER SYNDROME; Familial aplasia of the vermis. Identifiers: Orphanet 475, MedGen C5979921, MONDO:0018772.

Allele frequency attached by ClinVar (database versions not stated): gnomAD exomes below 0.00001; TOPMed 0.00001.
gnomAD v4.1: 4 of 1,607,074 alleles (0.00025%); highest among the groups gnomAD compares: Admixed American, 0.0034%; no homozygotes.

Submission:

Labcorp Genetics (formerly Invitae), Labcorp
Classification: Uncertain significance for Joubert syndrome. Last evaluated: 2020-11-27. Review status: criteria provided, single submitter. Criteria: Invitae Variant Classification Sherloc (09022015). Collection method: clinical testing. Allele origin: germline.
Comment: In summary, the available evidence is currently insufficient to determine the role of this variant in disease. Therefore, it has been classified as a Variant of Uncertain Significance. Algorithms developed to predict the effect of sequence changes on RNA splicing suggest that this variant may create or strengthen a splice site, but this prediction has not been confirmed by published transcriptional studies. Advanced modeling of protein sequence and biophysical properties (such as structural, functional, and spatial information, amino acid conservation, physicochemical variation, residue mobility, and thermodynamic stability) performed at Invitae indicates that this missense variant is not expected to disrupt AHI1 protein function. This variant has not been reported in the literature in individuals with AHI1-related conditions. This variant is not present in population databases (ExAC no frequency). This sequence change replaces aspartic acid with glycine at codon 295 of the AHI1 protein (p.Asp295Gly). The aspartic acid residue is weakly conserved and there is a moderate physicochemical difference between aspartic acid and glycine.